The following is an entry in ClinVar:

ClinVar aggregate classification (germline): Pathogenic/Likely pathogenic. Review status: criteria provided, multiple submitters, no conflicts (2 of 4 stars). 3 submissions from 3 submitters: Pathogenic (2); Likely pathogenic (1). Last evaluated 2025-08-11.

Conditions:
Hereditary cancer-predisposing syndrome. Also called: Tumor predisposition; Hereditary Cancer Syndrome; Hereditary neoplastic syndrome; Neoplastic Syndromes, Hereditary. Identifiers: Orphanet 140162, MedGen C0027672, MeSH D009386, MONDO:0015356.
Familial adenomatous polyposis 1 (FAP1). Also called: FAMILIAL ADENOMATOUS POLYPOSIS 1, ATTENUATED; POLYPOSIS, ADENOMATOUS INTESTINAL. Identifiers: MedGen C2713442, MONDO:0021056, OMIM 175100. Disease mechanism: loss of function.

Submissions (3):

Labcorp Genetics (formerly Invitae), Labcorp
Classification: Pathogenic for Familial adenomatous polyposis 1. Last evaluated: 2025-08-11. Review status: criteria provided, single submitter. Criteria: Invitae Variant Classification Sherloc (09022015). Collection method: clinical testing. Allele origin: germline.
Comment: This sequence change creates a premature translational stop signal (p.Val2194Phefs*5) in the APC gene. While this is not anticipated to result in nonsense mediated decay, it is expected to disrupt the last 650 amino acid(s) of the APC protein. This variant is not present in population databases (gnomAD no frequency). This variant has not been reported in the literature in individuals affected with APC-related conditions. ClinVar contains an entry for this variant (Variation ID: 1446272). This variant is expected to disrupt the EB1 and HDLG binding sites, which mediate interactions with the cytoskeleton (PMID: 15311282, 17293347). While functional studies have not been performed to directly test the effect on APC protein function, this suggests that disruption of the C-terminal portion of the protein is functionally important. A different truncation (p.Tyr2645Lysfs*14) that lies downstream of this variant has been determined to be pathogenic (PMID: 9824584, 1316610, 27081525, 8381579, 22135120, internal data). This suggests that deletion of this region of the APC protein is causative of disease. For these reasons, this variant has been classified as Pathogenic.

Ambry Genetics
Classification: Likely pathogenic for Hereditary cancer-predisposing syndrome. Last evaluated: 2023-12-07. Review status: criteria provided, single submitter. Criteria: Ambry Variant Classification Scheme 2023. Collection method: clinical testing. Allele origin: germline.
Comment: The c.6579delA variant, located in coding exon 15 of the APC gene, results from a deletion of one nucleotide at nucleotide position 6579, causing a translational frameshift with a predicted alternate stop codon (p.V2194Ffs*5). This alteration occurs at the 3' terminus of theAPC gene, is not expected to trigger nonsense-mediated mRNA decay, and only impacts the last 650 amino acids of the protein. However, premature stop codons are typically deleterious in nature and the impacted region is critical for protein function (Ambry internal data). This variant is considered to be rare based on population cohorts in the Genome Aggregation Database (gnomAD). Based on the majority of available evidence to date, this variant is likely to be pathogenic.

Myriad Genetics, Inc.
Classification: Pathogenic for Familial adenomatous polyposis 1. Last evaluated: 2023-05-15. Review status: criteria provided, single submitter. Criteria: Myriad Autosomal Dominant, Autosomal Recessive and X-Linked Classification Criteria (2023). Collection method: clinical testing. Allele origin: unknown.
Comment: This variant is considered pathogenic. This variant creates a frameshift predicted to result in premature protein truncation.

Literature cited by the submitters: PubMed 15311282 (cited by Labcorp Genetics (formerly Invitae), Labcorp); PubMed 17293347 (cited by Labcorp Genetics (formerly Invitae), Labcorp); PubMed 9824584 (cited by Labcorp Genetics (formerly Invitae), Labcorp); PubMed 1316610 (cited by Labcorp Genetics (formerly Invitae), Labcorp); PubMed 27081525 (cited by Labcorp Genetics (formerly Invitae), Labcorp); PubMed 8381579 (cited by Labcorp Genetics (formerly Invitae), Labcorp); PubMed 22135120 (cited by Labcorp Genetics (formerly Invitae), Labcorp).

NM_000038.6(APC):c.6579del (p.Val2194fs)

Gene: APC (APC regulator of Wnt signaling pathway; plus strand). Cytogenetic location: 5q22.2.
Variant type: Deletion.
Coding change: c.6579del on transcript NM_000038.6 (MANE Select); coding-DNA position 6579, one base deleted (A; older notation c.6579delA).
Protein change: p.Val2194fs; shifts the reading frame from valine 2194.
Molecular consequence: frameshift variant.
Genome position (GRCh38, 1-based): chr5:112,842,173, A deleted; the last of 7 consecutive A bases (chr5:112,842,167-112,842,173); deleting any one gives the same sequence. VCF-style (leftmost placement, unchanged base first): chr5-112842166-GA-G. GRCh37 (hg19) VCF-style: chr5-112177863-GA-G.
Other names: c.6579delA (NM_000038.5); c.6579del, p.Val2194fs (NM_001127510.3, NM_001354895.2); c.6525del, p.Val2176fs (NM_001127511.3); c.6633del, p.Val2212fs (NM_001354896.2); c.6609del, p.Val2204fs (NM_001354897.2); c.6504del, p.Val2169fs (NM_001354898.2); c.6495del, p.Val2166fs (NM_001354899.2); c.6456del, p.Val2153fs (NM_001354900.2); and 6 more; short protein forms V2135fs, V2103fs, V2166fs, V2169fs, V2204fs, V2068fs, V2093fs, V2176fs.
Identifiers: ClinVar variation 1446272 (VCV001446272.6), dbSNP rs775076289, ClinGen allele CA045383.
Genomic context (GRCh38, chr5:112,842,166, plus strand): 5'-GGGAGAAAAGTACATTGGAAACTAAAAAGATAGAATCTGAAAGTAAAGGAATCAAAGGAG[GA>G]AAAAAAGTTTATAAAAGTTTGATTACTGGAAAAGTTCGATCTAATTCAGAAATTTCAGGC-3'